The following is an entry in ClinVar:

NM_001347886.2(DNAH3):c.7339G>A (p.Asp2447Asn)

Gene: DNAH3 (dynein axonemal heavy chain 3; minus strand). Cytogenetic location: 16p12.3.
Variant type: single nucleotide variant.
Coding change: c.7339G>A on transcript NM_001347886.2 (MANE Select); coding-DNA position 7339, G replaced by A.
Protein change: p.Asp2447Asn; replaces aspartic acid 2447 with asparagine.
Molecular consequence: missense variant.
Genome position (GRCh38, 1-based): chr16:20,985,265, C>T on the plus strand (G>A on the coding strand, the complement: DNAH3 is on the minus strand). VCF-style: chr16-20985265-C-T. GRCh37 (hg19) VCF-style: chr16-20996587-C-T.
Other names: c.7477G>A, p.Asp2493Asn (NM_017539.2); short protein forms D2493N, D2447N.
Identifiers: ClinVar variation 2396145 (VCV002396145.3), dbSNP rs139500352, ClinGen allele CA7946792.
Genomic context (GRCh38, chr16:20,985,265, plus strand): 5'-CACCTGTGTTCAGAAGCATGTTGATGTCCTCCACGAATGATTCATCCTTGATCTGGTTGT[C>T]GGCGAAGAGGAACACGGTGCTCTTGGTGGCCACACCGACCTGCAGTATGATCTTCTTAAG-3'
Protein context (NP_001334815.1, residues 2437-2457): ATKSTVFLFA[Asp2447Asn]NQIKDESFVE

ClinVar aggregate classification (germline): Conflicting classifications of pathogenicity. Review status: criteria provided, conflicting classifications (1 of 4 stars). 2 submissions from 2 submitters: Pathogenic (1); Uncertain significance (1). Last evaluated 2023-10-24.

Conditions:
Spermatogenic failure 18. Identifiers: MedGen C4539783, MONDO:0054615, OMIM 617576.

Allele frequency attached by ClinVar (database versions not stated): ExAC 0.00005; gnomAD 0.00009; TOPMed 0.00011; gnomAD exomes 0.00029; ESP Exome Variant Server 0.00038.
gnomAD v4.1: 435 of 1,614,006 alleles (0.027%); highest among the groups gnomAD compares: Non-Finnish European, 0.035%; no homozygotes.

Submissions (2):

Institute of Reproductive and Stem Cell Engineering, Central South University
Classification: Pathogenic for Spermatogenic failure 18. Last evaluated: 2023-10-24. Review status: criteria provided, single submitter. Criteria: Tu et al. (Clin Genet. 2020). Collection method: research. Allele origin: inherited. Inheritance: Autosomal recessive inheritance. Affected: yes. Observed: 1 compound heterozygote.
Comment: The DNAH3 variant (Asp2493Asn) was shown to be highly conserved across multiple species and recorded as absent and predicted to be deleterious via in silico bioinformatics databases. Three-dimensional modelling of the DNAH3 protein showed that this mutation disrupted hydrogen bonds and altered the distance between atoms of adjacent amino acids, which is likely to disrupt protein stability and function. Western blot have showed that expression of DNAH3 protein was decressed in the spermatozoa from the patient. In addition, the two Dnah3 knockout mice lines generated in our experiments recapitulated asthenoteratozoospermia similar to the patient. In summary, the variant (Asp2493Asn) meets our criteria to be classifiedas pathogenic based upon segregation studies, bioinformatics prediction in silico, and functional experiment evidence.

Ambry Genetics
Classification: Uncertain significance. Last evaluated: 2021-10-18. Review status: criteria provided, single submitter. Criteria: Ambry Variant Classification Scheme 2023. Collection method: clinical testing. Allele origin: germline.